The following is an entry in ClinVar:

ClinVar aggregate classification (germline): Uncertain significance (1 of 4 stars; one submission).

Conditions:
Neurofibromatosis, type 1 (NF1). Also called: Neurofibromatosis, type I; Peripheral type neurofibromatosis; VON RECKLINGHAUSEN DISEASE; NEUROFIBROMATOSIS, TYPE I, SOMATIC. Identifiers: Orphanet 636, MedGen C0027831, MONDO:0018975, OMIM 162200. Disease mechanism: loss of function.

Submission:

Labcorp Genetics (formerly Invitae), Labcorp
Classification: Uncertain significance for Neurofibromatosis, type 1. Last evaluated: 2024-04-10. Review status: criteria provided, single submitter. Criteria: Invitae Variant Classification Sherloc (09022015). Collection method: clinical testing. Allele origin: germline.
Comment: This sequence change replaces glutamic acid, which is acidic and polar, with glycine, which is neutral and non-polar, at codon 2193 of the NF1 protein (p.Glu2193Gly). This variant is not present in population databases (gnomAD no frequency). This variant has not been reported in the literature in individuals affected with NF1-related conditions. ClinVar contains an entry for this variant (Variation ID: 2007414). An algorithm developed to predict the effect of missense changes on protein structure and function (PolyPhen-2) suggests that this variant is likely to be disruptive. Algorithms developed to predict the effect of sequence changes on RNA splicing suggest that this variant may disrupt the consensus splice site. In summary, the available evidence is currently insufficient to determine the role of this variant in disease. Therefore, it has been classified as a Variant of Uncertain Significance.

NM_001042492.3(NF1):c.6641A>G (p.Glu2214Gly)

Gene: NF1 (neurofibromin 1; plus strand). Cytogenetic location: 17q11.2.
Variant type: single nucleotide variant.
Coding change: c.6641A>G on transcript NM_001042492.3 (MANE Select); coding-DNA position 6641, A replaced by G.
Protein change: p.Glu2214Gly; replaces glutamic acid 2214 with glycine.
Molecular consequence: missense variant.
Genome position (GRCh38, 1-based): chr17:31,337,581, A>G. VCF-style: chr17-31337581-A-G. GRCh37 (hg19) VCF-style: chr17-29664599-A-G.
Other names: c.6578A>G, p.Glu2193Gly (NM_000267.4); short protein forms E2214G, E2193G.
Identifiers: ClinVar variation 2007414 (VCV002007414.4), dbSNP rs2151556647, ClinGen allele CA399013587.